The following is an entry in ClinVar:

NM_001184880.2(PCDH19):c.1036A>G (p.Ile346Val)

Gene: PCDH19 (protocadherin 19; minus strand). Cytogenetic location: Xq22.1.
Variant type: single nucleotide variant.
Coding change: c.1036A>G on transcript NM_001184880.2 (MANE Select); coding-DNA position 1036, A replaced by G.
Protein change: p.Ile346Val; replaces isoleucine 346 with valine.
Molecular consequence: missense variant.
Genome position (GRCh38, 1-based): chrX:100,407,562, T>C on the plus strand (A>G on the coding strand, the complement: PCDH19 is on the minus strand). VCF-style: chrX-100407562-T-C. GRCh37 (hg19) VCF-style: chrX-99662560-T-C.
Other names: c.1036A>G, p.Ile346Val (NM_001105243.2, NM_020766.3); short protein forms I346V.
Identifiers: ClinVar variation 931677 (VCV000931677.3), dbSNP rs1928413482, ClinGen allele CA414004625.
Genomic context (GRCh38, chrX:100,407,562, plus strand): 5'-AGCCCGGGGGGGCGCTCTCGCTGACCTCCACAAGCTCACTGTTGACTGACAGCAGGTTGA[T>C]GACCGGCGGATTGTCATTGGTGTCCAGCACGCTGACGGTGACCTTGCAGTGTGCCGGGAT-3'
Protein context (NP_001171809.1, residues 336-356): VLDTNDNPPV[Ile346Val]NLLSVNSELV

ClinVar aggregate classification (germline): Uncertain significance (1 of 4 stars; one submission).

Conditions:
Developmental and epileptic encephalopathy, 9 (DEE9). Also called: EPILEPSY, FEMALE-RESTRICTED, WITH MENTAL RETARDATION; Early infantile epileptic encephalopathy 9; PCDH19-Related X-Linked Female-Limited Epilepsy with Mental Retardation; JUBERG-HELLMAN SYNDROME. Identifiers: Orphanet 101039, Orphanet 2076, MedGen C1848137, MONDO:0010246, OMIM 300088. Disease mechanism: loss of function.

Submission:

Centre for Mendelian Genomics, University Medical Centre Ljubljana
Classification: Uncertain significance for Developmental and epileptic encephalopathy, 9. Last evaluated: 2019-10-07. Review status: criteria provided, single submitter. Criteria: ACMG Guidelines, 2015. Collection method: clinical testing. Allele origin: unknown. Affected: yes.
Comment: This variant was classified as: Uncertain significance. The available evidence on this variant's pathogenicity is insufficient or conflicting. The following ACMG criteria were applied in classifying this variant: PM1,PM2.